The following is an entry in ClinVar:

NM_001267550.2(TTN):c.16038T>C (p.Thr5346=)

Gene: TTN (titin; minus strand). Cytogenetic location: 2q31.2.
Variant type: single nucleotide variant.
Coding change: c.16038T>C on transcript NM_001267550.2 (MANE Select); coding-DNA position 16038, T replaced by C.
Protein change: p.Thr5346=; no amino-acid change (threonine 5346 retained).
Molecular consequence: synonymous variant. On other transcripts: intron variant (3).
Genome position (GRCh38, 1-based): chr2:178,733,255, A>G on the plus strand (T>C on the coding strand, the complement: TTN is on the minus strand). VCF-style: chr2-178733255-A-G. GRCh37 (hg19) VCF-style: chr2-179597982-A-G.
Other names: c.15087T>C, p.Thr5029= (NM_001256850.1); c.12306T>C, p.Thr4102= (NM_133378.4); c.13282+4827T>C (NM_003319.4); c.13858+4827T>C (NM_133437.4); c.13657+4827T>C (NM_133432.3).
Identifiers: ClinVar variation 2651694 (VCV002651694.24), dbSNP rs2530191273, ClinGen allele CA430294093.

ClinVar aggregate classification (germline): Likely benign (1 of 4 stars; one submission).

Submission:

CeGaT Center for Human Genetics Tuebingen
Classification: Likely benign. Last evaluated: 2022-04-01. Review status: criteria provided, single submitter. Criteria: CeGaT Center For Human Genetics Tuebingen Variant Classification Criteria Version 2. Collection method: clinical testing. Allele origin: germline. Affected: yes. Observed: 1 variant allele.
Comment: TTN: PM2:Supporting, BP4, BP7